The following is an entry in ClinVar:

ClinVar aggregate classification (germline): Pathogenic (1 of 4 stars; one submission).

Conditions:
Arrhythmogenic cardiomyopathy with wooly hair and keratoderma. Also called: Arrhythmogenic cardiomyopathy with woolly hair and keratoderma; Carvajal syndrome; PALMOPLANTAR KERATODERMA WITH LEFT VENTRICULAR CARDIOMYOPATHY AND WOOLLY HAIR; Dilated cardiomyopathy with woolly hair and keratoderma. Identifiers: Orphanet 65282, MedGen C1854063, MONDO:0011581, OMIM 605676.
Arrhythmogenic right ventricular dysplasia 8 (ARVD8). Also called: Arrhythmogenic Right Ventricular Dysplasia/Cardiomyopathy 8; ARRHYTHMOGENIC RIGHT VENTRICULAR DYSPLASIA, FAMILIAL, 8; ARRHYTHMOGENIC RIGHT VENTRICULAR CARDIOMYOPATHY 8. Identifiers: MedGen C1843896, MONDO:0011831, OMIM 607450.

Submission:

Labcorp Genetics (formerly Invitae), Labcorp
Classification: Pathogenic for Arrhythmogenic cardiomyopathy with wooly hair and keratoderma; Arrhythmogenic right ventricular dysplasia 8. Last evaluated: 2023-08-28. Review status: criteria provided, single submitter. Criteria: Invitae Variant Classification Sherloc (09022015). Collection method: clinical testing. Allele origin: germline.
Comment: This sequence change creates a premature translational stop signal (p.Gln611*) in the DSP gene. It is expected to result in an absent or disrupted protein product. Loss-of-function variants in DSP are known to be pathogenic (PMID: 20716751, 24503780, 25227139). This variant is not present in population databases (gnomAD no frequency). This variant has not been reported in the literature in individuals affected with DSP-related conditions. ClinVar contains an entry for this variant (Variation ID: 655498). For these reasons, this variant has been classified as Pathogenic.

Literature cited by the submitters: PubMed 20716751; PubMed 24503780; PubMed 25227139.

NM_004415.4(DSP):c.1831C>T (p.Gln611Ter)

Gene: DSP (desmoplakin; plus strand). Cytogenetic location: 6p24.3.
Variant type: single nucleotide variant.
Coding change: c.1831C>T on transcript NM_004415.4 (MANE Select); coding-DNA position 1831, C replaced by T.
Protein change: p.Gln611Ter; replaces glutamine 611 with a stop codon.
Molecular consequence: nonsense.
Genome position (GRCh38, 1-based): chr6:7,571,512, C>T. VCF-style: chr6-7571512-C-T. GRCh37 (hg19) VCF-style: chr6-7571745-C-T.
Other names: c.1831C>T (LRG_423t1); c.1831C>T, p.Gln611Ter (NM_001008844.3, NM_001319034.2); short protein forms Q611*.
Identifiers: ClinVar variation 655498 (VCV000655498.9), dbSNP rs1581805788, ClinGen allele CA362679418.
Genomic context (GRCh38, chr6:7,571,512, plus strand): 5'-ATCAGAAATAGCCAAGGCTCAGAGATGTTTGGAGATGATGACAAGCGGAAAATACAGTCT[C>T]AGTTCACCGATGCCCAGAAGCATTACCAGACCCTGGTCATTCAGCTCCCTGGCTATCCCC-3'